The following is an entry in ClinVar:

ClinVar aggregate classification (germline): Benign/Likely benign. Review status: criteria provided, multiple submitters, no conflicts (2 of 4 stars). 4 submissions from 4 submitters: Benign (1); Likely benign (3). Last evaluated 2026-01-24.

Allele frequency attached by ClinVar (database versions not stated): gnomAD 0.00021 and 0.00029; gnomAD exomes 0.00025 and 0.00058; TOPMed 0.00026; ExAC 0.00066; 1000 Genomes Project 30x 0.00109; 1000 Genomes Project 0.00120.
gnomAD v4.1: 404 of 1,551,784 alleles (0.026%); highest among the groups gnomAD compares: East Asian, 0.17%; 2 homozygotes.

Submissions (4):

Labcorp Genetics (formerly Invitae), Labcorp
Classification: Benign. Last evaluated: 2026-01-24. Review status: criteria provided, single submitter. Criteria: Invitae Variant Classification Sherloc (09022015). Collection method: clinical testing. Allele origin: germline.

Blueprint Genetics
Classification: Likely benign. Last evaluated: 2024-11-06. Review status: criteria provided, single submitter. Criteria: ACMG Guidelines, 2015. Collection method: clinical testing. Allele origin: germline.

Laboratory for Molecular Medicine, Mass General Brigham Personalized Medicine
Classification: Likely benign. Last evaluated: 2017-08-23. Review status: criteria provided, single submitter. Criteria: LMM Criteria. Collection method: clinical testing. Allele origin: germline. Observed: 1 variant allele.
Comment: p.Cys1537Cys in exon 30 of LOXHD1: This variant is not expected to have clinical significance because it does not alter an amino acid residue and is not located within the splice consensus sequence. It has been identified in 0.10% (8/7914) of South Asian chromosomes by the Exome Aggregation Consortium (ExAC; dbSNP rs189561302).

PreventionGenetics, part of Exact Sciences
Classification: Likely benign. Review status: criteria provided, single submitter. Criteria: ACMG Guidelines, 2015. Collection method: clinical testing. Allele origin: germline.

NM_001384474.1(LOXHD1):c.4611C>T (p.Cys1537=)

Gene: LOXHD1 (lipoxygenase homology PLAT domains 1; minus strand). Cytogenetic location: 18q21.1.
Variant type: single nucleotide variant.
Coding change: c.4611C>T on transcript NM_001384474.1 (MANE Select); coding-DNA position 4611, C replaced by T.
Protein change: p.Cys1537=; no amino-acid change (cysteine 1537 retained).
Molecular consequence: synonymous variant.
Genome position (GRCh38, 1-based): chr18:46,524,837, G>A on the plus strand (C>T on the coding strand, the complement: LOXHD1 is on the minus strand). VCF-style: chr18-46524837-G-A. GRCh37 (hg19) VCF-style: chr18-44104800-G-A.
Other names: p.Cys1537Cys; c.1278C>T, p.Cys426= (NM_001145472.3); c.990C>T, p.Cys330= (NM_001308013.2); c.4611C>T, p.Cys1537= (NM_144612.7).
Identifiers: ClinVar variation 262522 (VCV000262522.17), dbSNP rs189561302, ClinGen allele CA8952321.
Genomic context (GRCh38, chr18:46,524,837, plus strand): 5'-CAGGAACTCGTCCTCGTTGGTGTCATTCCAGATCTCCACCTTCTCCACGTACCAGTCTGC[G>A]CACCACTTGGAGTTGTCATGGCGGAGCTTGATCTTGTAGATGACGCCTAGGTCAGCGGCC-3'
Protein context (NP_001371403.1, residues 1527-1547): IKLRHDNSKW[Cys1537=]ADWYVEKVEI